The following is an entry in ClinVar:

ClinVar aggregate classification (germline): Likely benign. Review status: criteria provided, multiple submitters, no conflicts (2 of 4 stars). 2 submissions from 2 submitters: Likely benign (2). Last evaluated 2025-11-24.

Conditions:
Lipodystrophy, partial, acquired, susceptibility to (APLD). Also called: APLD, SUSCEPTIBILITY TO. Identifiers: MedGen C3887501, MONDO:0100476, OMIM 608709.
Progressive myoclonic epilepsy type 9. Identifiers: Orphanet 457265, MedGen C4225289, MONDO:0014685, OMIM 616540.

Allele frequency attached by ClinVar (database versions not stated): gnomAD 0.00001; gnomAD exomes 0.00001 and 0.00006; ExAC 0.00003; TOPMed 0.00003.
gnomAD v4.1: 26 of 1,613,480 alleles (0.0016%); highest among the groups gnomAD compares: Admixed American, 0.025%; 1 homozygote.

Submissions (2):

Labcorp Genetics (formerly Invitae), Labcorp
Classification: Likely benign for Progressive myoclonic epilepsy type 9; Lipodystrophy, partial, acquired, susceptibility to. Last evaluated: 2025-11-24. Review status: criteria provided, single submitter. Criteria: Invitae Variant Classification Sherloc (09022015). Collection method: clinical testing. Allele origin: germline.

CeGaT Center for Human Genetics Tuebingen
Classification: Likely benign. Last evaluated: 2023-10-01. Review status: criteria provided, single submitter. Criteria: CeGaT Center For Human Genetics Tuebingen Variant Classification Criteria Version 2. Collection method: clinical testing. Allele origin: germline. Affected: yes. Observed: 1 variant allele.
Comment: LMNB2: BP4, BP7

NM_032737.4(LMNB2):c.342T>C (p.Arg114=)

Gene: LMNB2 (lamin B2; minus strand). Cytogenetic location: 19p13.3.
Variant type: single nucleotide variant.
Coding change: c.342T>C on transcript NM_032737.4 (MANE Select); coding-DNA position 342, T replaced by C.
Protein change: p.Arg114=; no amino-acid change (arginine 114 retained).
Molecular consequence: synonymous variant.
Genome position (GRCh38, 1-based): chr19:2,444,463, A>G on the plus strand (T>C on the coding strand, the complement: LMNB2 is on the minus strand). VCF-style: chr19-2444463-A-G. GRCh37 (hg19) VCF-style: chr19-2444461-A-G.
Identifiers: ClinVar variation 767503 (VCV000767503.31), dbSNP rs771838704, ClinGen allele CA9067933.